The following is an entry in ClinVar:

NM_000543.5(SMPD1):c.1132C>T (p.Arg378Cys)

Gene: SMPD1 (sphingomyelin phosphodiesterase 1; plus strand). Cytogenetic location: 11p15.4.
Variant type: single nucleotide variant.
Coding change: c.1132C>T on transcript NM_000543.5 (MANE Select); coding-DNA position 1132, C replaced by T.
Protein change: p.Arg378Cys; replaces arginine 378 with cysteine.
Molecular consequence: missense variant. On other transcripts: non-coding transcript variant (1), intron variant (1).
Genome position (GRCh38, 1-based): chr11:6,393,256, C>T. VCF-style: chr11-6393256-C-T. GRCh37 (hg19) VCF-style: chr11-6414486-C-T.
Other names: c.1129C>T, p.Arg377Cys (NM_001007593.3); c.1132C>T, p.Arg378Cys (NM_001318087.2); c.211C>T, p.Arg71Cys (NM_001318088.2); c.1132-361C>T (NM_001365135.2); c.1132C>T (NM_000543.4); short protein forms R378C, R377C, R71C.
Identifiers: ClinVar variation 1347154 (VCV001347154.11), dbSNP rs369088417, ClinGen allele CA5852795.

ClinVar aggregate classification (germline): Conflicting classifications of pathogenicity. Review status: criteria provided, conflicting classifications (1 of 4 stars). 6 submissions from 6 submitters: Likely pathogenic (5); Uncertain significance (1). Last evaluated 2025-10-21.

Conditions:
Lysosomal storage disease. Also called: Lysosomal storage disorder. Identifiers: Orphanet 68366, MedGen C0085078, MONDO:0002561.
Niemann-Pick disease, type A. Also called: Infantile Neurovisceral ASMD (Niemann-Pick Disease Type A; NPD-A); SPHINGOMYELIN LIPIDOSIS; SPHINGOMYELINASE DEFICIENCY. Identifiers: Orphanet 77292, MedGen C0268242, MONDO:0009756, OMIM 257200. Disease mechanism: loss of function.
Niemann-Pick disease, type B. Also called: Chronic Visceral ASMD (Niemann-Pick Disease Type B; NPD-B). Identifiers: Orphanet 77293, MedGen C0268243, MONDO:0011871, OMIM 607616. Disease mechanism: loss of function.
Sphingomyelin/cholesterol lipidosis. Also called: Niemann-Pick disease. Identifiers: MedGen C0028064, MONDO:0001982.

Allele frequency attached by ClinVar (database versions not stated): ESP Exome Variant Server 0.00017.
gnomAD v4.1: 40 of 1,613,820 alleles (0.0025%); highest among the groups gnomAD compares: African/African-American, 0.039%; no homozygotes.

Submissions (6):

NHS Central & South Genomic Laboratory Hub
Classification: Likely pathogenic for Lysosomal storage disorder. Last evaluated: 2025-10-21. Review status: criteria provided, single submitter. Criteria: ACMG Guidelines, 2015. Collection method: clinical testing. Allele origin: germline. Affected: yes.

Otogenetics
Classification: Likely pathogenic for Niemann-Pick disease, type A; Niemann-Pick disease, type B. Last evaluated: 2025-09-02. Review status: criteria provided, single submitter. Criteria: ACMG Guidelines, 2015. Collection method: clinical testing. Allele origin: germline.
Comment: PM1: Non-truncating non-synonymous variant located in a critical and well-established functional domain (metallophosphatase catalytic domain) of the acid sphingomyelinase enzyme (PMID: 27725636); PM2: Maximum gnomAD MAF of 0.0258% in African (AFR) subpopulation (<0.28% threshold); PM5: Pathogenic missense amino acid change occurs in same position: c.1133G>A (p.Arg378His) (PMID: 23252888); PP3: In-silico models predict deleterious effect (Revel = 0.9, BayesDel = 0.46)

Natera, Inc.
Classification: Likely pathogenic for Niemann-Pick Disease, Types A/B. Last evaluated: 2025-08-07. Review status: criteria provided, single submitter. Criteria: Natera Variant Classification Schema (03/2026). Collection method: clinical testing. Allele origin: germline.
Comment: The c.1132C>T variant in SMPD1 is a missense variant predicted to cause substitution of arginine to cysteine at amino acid 378. This variant is rare in the general population with a frequency below the threshold expected for the associated phenotype(s). This variant has been observed in one or more individuals affected with the associated recessive disease, as either homozygous or compound heterozygous with a second variant (PMID: 39507854). A different variant at the same position has been determined to be Pathogenic or Likely Pathogenic. Computational prediction algorithms indicate this variant is likely to affect gene or protein function. Given the available evidence, this variant is classified as Likely Pathogenic.

Women's Health and Genetics/Laboratory Corporation of America, LabCorp
Classification: Likely pathogenic for Sphingomyelin/cholesterol lipidosis. Last evaluated: 2025-01-24. Review status: criteria provided, single submitter. Criteria: LabCorp Variant Classification Summary - May 2015. Collection method: clinical testing. Allele origin: germline.
Comment: Variant summary: SMPD1 c.1132C>T (p.Arg378Cys) results in a non-conservative amino acid change in the encoded protein sequence. Four of four in-silico tools predict a damaging effect of the variant on protein function. The variant allele was found at a frequency of 2e-05 in 249208 control chromosomes (gnomAD). c.1132C>T has been reported in the literature in a newborn screening case who was compound heterozygous with a pathogenic variant and had deficient ASM activity (Hickey_2024). These data indicate that the variant may be associated with disease. A different variant affecting the same codon has been classified as pathogenic by our lab (c.1133G>A, p.Arg378His), supporting the critical relevance of codon 378 to SMPD1 protein function. To our knowledge, no experimental evidence demonstrating an impact on protein function has been reported. The following publications have been ascertained in the context of this evaluation (PMID: 32870915, 38992987). ClinVar contains an entry for this variant (Variation ID: 1347154). Based on the evidence outlined above, the variant was classified as likely pathogenic.

Labcorp Genetics (formerly Invitae), Labcorp
Classification: Likely pathogenic for Niemann-Pick disease, type B; Niemann-Pick disease, type A. Last evaluated: 2024-03-20. Review status: criteria provided, single submitter. Criteria: Invitae Variant Classification Sherloc (09022015). Collection method: clinical testing. Allele origin: germline.
Comment: This sequence change replaces arginine, which is basic and polar, with cysteine, which is neutral and slightly polar, at codon 378 of the SMPD1 protein (p.Arg378Cys). This variant is present in population databases (rs369088417, gnomAD 0.02%). This variant has not been reported in the literature in individuals affected with SMPD1-related conditions. ClinVar contains an entry for this variant (Variation ID: 1347154). Advanced modeling of protein sequence and biophysical properties (such as structural, functional, and spatial information, amino acid conservation, physicochemical variation, residue mobility, and thermodynamic stability) performed at Invitae indicates that this missense variant is expected to disrupt SMPD1 protein function with a positive predictive value of 95%. This variant disrupts the p.Arg378 amino acid residue in SMPD1. Other variant(s) that disrupt this residue have been determined to be pathogenic (PMID: 15877209, 17011332, 19405096, 23252888; Invitae). This suggests that this residue is clinically significant, and that variants that disrupt this residue are likely to be disease-causing. In summary, the currently available evidence indicates that the variant is pathogenic, but additional data are needed to prove that conclusively. Therefore, this variant has been classified as Likely Pathogenic.

Blueprint Genetics
Classification: Uncertain significance. Last evaluated: 2023-06-13. Review status: criteria provided, single submitter. Criteria: ACMG Guidelines, 2015. Collection method: clinical testing. Allele origin: germline.

Literature cited by the submitters: PubMed 27725636 (cited by Otogenetics); PubMed 23252888 (cited by Otogenetics and Labcorp Genetics (formerly Invitae), Labcorp); PubMed 39507854 (cited by Natera, Inc.); PubMed 32870915 (cited by Women's Health and Genetics/Laboratory Corporation of America, LabCorp); PubMed 38992987 (cited by Women's Health and Genetics/Laboratory Corporation of America, LabCorp); PubMed 15877209 (cited by Labcorp Genetics (formerly Invitae), Labcorp); PubMed 17011332 (cited by Labcorp Genetics (formerly Invitae), Labcorp); PubMed 19405096 (cited by Labcorp Genetics (formerly Invitae), Labcorp).